The following is an entry in ClinVar:

ClinVar aggregate classification (germline): Uncertain significance (1 of 4 stars; one submission).

Conditions:
Duchenne muscular dystrophy (DMD). Also called: MUSCULAR DYSTROPHY, PSEUDOHYPERTROPHIC PROGRESSIVE, DUCHENNE TYPE; Duchenne Muscular Dystrophy (DMD). Identifiers: Orphanet 98896, MedGen C0013264, MONDO:0010679, OMIM 310200.

Allele frequency attached by ClinVar (database versions not stated): gnomAD exomes below 0.00001.
gnomAD v4.1: 2 of 1,210,916 alleles (0.00017%); highest among the groups gnomAD compares: Middle Eastern, 0.025%; no homozygotes.

Submission:

Labcorp Genetics (formerly Invitae), Labcorp
Classification: Uncertain significance for Duchenne muscular dystrophy. Last evaluated: 2024-09-27. Review status: criteria provided, single submitter. Criteria: Invitae Variant Classification Sherloc (09022015). Collection method: clinical testing. Allele origin: germline.
Comment: This sequence change replaces methionine, which is neutral and non-polar, with valine, which is neutral and non-polar, at codon 3640 of the DMD protein (p.Met3640Val). This variant is not present in population databases (gnomAD no frequency). This variant has not been reported in the literature in individuals affected with DMD-related conditions. ClinVar contains an entry for this variant (Variation ID: 2127916). Invitae Evidence Modeling of protein sequence and biophysical properties (such as structural, functional, and spatial information, amino acid conservation, physicochemical variation, residue mobility, and thermodynamic stability) indicates that this missense variant is not expected to disrupt DMD protein function with a negative predictive value of 95%. In summary, the available evidence is currently insufficient to determine the role of this variant in disease. Therefore, it has been classified as a Variant of Uncertain Significance.

NM_004006.3(DMD):c.10918A>G (p.Met3640Val)

Gene: DMD (dystrophin; minus strand). Cytogenetic location: Xp21.2.
Variant type: single nucleotide variant.
Coding change: c.10918A>G on transcript NM_004006.3 (MANE Select); coding-DNA position 10918, A replaced by G.
Protein change: p.Met3640Val; replaces methionine 3640 with valine.
Molecular consequence: missense variant.
Genome position (GRCh38, 1-based): chrX:31,146,294, T>C on the plus strand (A>G on the coding strand, the complement: DMD is on the minus strand). VCF-style: chrX-31146294-T-C. GRCh37 (hg19) VCF-style: chrX-31164411-T-C.
Other names: c.10894A>G, p.Met3632Val (NM_000109.4); c.10906A>G, p.Met3636Val (NM_004009.3); c.10549A>G, p.Met3517Val (NM_004010.3); c.6895A>G, p.Met2299Val (NM_004011.4); c.6886A>G, p.Met2296Val (NM_004012.4); c.3538A>G, p.Met1180Val (NM_004013.3, NM_004021.3); c.2731A>G, p.Met911Val (NM_004014.3); c.1714A>G, p.Met572Val (NM_004015.3, NM_004016.3); and 3 more; short protein forms M1070V, M2296V, M2299V, M3632V, M559V, M3640V, M572V, M911V.
Identifiers: ClinVar variation 2127916 (VCV002127916.3), dbSNP rs2519416826, ClinGen allele CA412648464.